The following is an entry in ClinVar:

NM_138694.4(PKHD1):c.2854G>T (p.Gly952Ter)

Gene: PKHD1 (PKHD1 ciliary IPT domain containing fibrocystin/polyductin; minus strand). Cytogenetic location: 6p12.2.
Variant type: single nucleotide variant.
Coding change: c.2854G>T on transcript NM_138694.4 (MANE Select); coding-DNA position 2854, G replaced by T.
Protein change: p.Gly952Ter; replaces glycine 952 with a stop codon.
Molecular consequence: nonsense.
Genome position (GRCh38, 1-based): chr6:52,043,102, C>A on the plus strand (G>T on the coding strand, the complement: PKHD1 is on the minus strand). VCF-style: chr6-52043102-C-A. GRCh37 (hg19) VCF-style: chr6-51907900-C-A.
Other names: c.2854G>T, p.Gly952Ter (NM_170724.3); c.2854G>T (NM_138694.3); short protein forms G952*.
Identifiers: ClinVar variation 1324919 (VCV001324919.9), dbSNP rs773136605, ClinGen allele CA364442420.

ClinVar aggregate classification (germline): Pathogenic/Likely pathogenic. Review status: criteria provided, multiple submitters, no conflicts (2 of 4 stars). 3 submissions from 3 submitters: Pathogenic (1); Likely pathogenic (2). Last evaluated 2024-04-18.

Conditions:
Autosomal recessive polycystic kidney disease (ARPKD). Also called: AR polycystic kidney disease. Identifiers: Orphanet 731, Orphanet 8378, MedGen C0085548, MeSH D017044, MONDO:0009889.
Polycystic kidney disease 4 (PKD4). Also called: POLYCYSTIC KIDNEY AND HEPATIC DISEASE 1; POLYCYSTIC KIDNEY DISEASE, INFANTILE, TYPE I; PKD3; POLYCYSTIC KIDNEY DISEASE 4 WITH OR WITHOUT POLYCYSTIC LIVER DISEASE; Autosomal Recessive Polycystic Kidney Disease – PKHD1. Identifiers: MedGen C4540575, MONDO:0033004, OMIM 263200.

Submissions (3):

Natera, Inc.
Classification: Likely pathogenic for Autosomal recessive polycystic kidney disease. Last evaluated: 2024-04-18. Review status: criteria provided, single submitter. Criteria: Natera Variant Classification Schema (03/2026). Collection method: clinical testing. Allele origin: germline.
Comment: The c.2854G>T variant in PKHD1 is a nonsense variant predicted to introduce a stop codon at amino acid 952. This variant is expected to result in nonsense mediated decay, truncation, or a dysfunctional protein product. This variant is rare in the general population with a frequency below the threshold expected for the associated phenotype(s). Given the available evidence, this variant is classified as Likely Pathogenic.

Labcorp Genetics (formerly Invitae), Labcorp
Classification: Pathogenic for Autosomal recessive polycystic kidney disease. Last evaluated: 2022-06-22. Review status: criteria provided, single submitter. Criteria: Invitae Variant Classification Sherloc (09022015). Collection method: clinical testing. Allele origin: germline.
Comment: This sequence change creates a premature translational stop signal (p.Gly952*) in the PKHD1 gene. It is expected to result in an absent or disrupted protein product. Loss-of-function variants in PKHD1 are known to be pathogenic (PMID: 19940839). For these reasons, this variant has been classified as Pathogenic. Algorithms developed to predict the effect of sequence changes on RNA splicing suggest that this variant may disrupt the consensus splice site. ClinVar contains an entry for this variant (Variation ID: 1324919). This variant has not been reported in the literature in individuals affected with PKHD1-related conditions. This variant is not present in population databases (gnomAD no frequency).

Revvity Omics, Revvity
Classification: Likely pathogenic for Polycystic kidney disease 4. Last evaluated: 2021-06-15. Review status: criteria provided, single submitter. Criteria: ACMG Guidelines, 2015. Collection method: clinical testing. Allele origin: germline.

Literature cited by the submitters: PubMed 19940839 (cited by Labcorp Genetics (formerly Invitae), Labcorp).